The following is an entry in ClinVar:

NM_006662.3(SRCAP):c.4942G>A (p.Val1648Ile)

Gene: SRCAP (Snf2 related CREBBP activator protein; plus strand). Cytogenetic location: 16p11.2.
Variant type: single nucleotide variant.
Coding change: c.4942G>A on transcript NM_006662.3 (MANE Select); coding-DNA position 4942, G replaced by A.
Protein change: p.Val1648Ile; replaces valine 1648 with isoleucine.
Molecular consequence: missense variant.
Genome position (GRCh38, 1-based): chr16:30,724,366, G>A. VCF-style: chr16-30724366-G-A. GRCh37 (hg19) VCF-style: chr16-30735687-G-A.
Other names: short protein forms V1648I.
Identifiers: ClinVar variation 4883185 (VCV004883185.2).

ClinVar aggregate classification (germline): Uncertain significance (1 of 4 stars; one submission).

Submission:

Dasa
Classification: Uncertain significance. Last evaluated: 2025-11-27. Review status: criteria provided, single submitter. Criteria: DASA Assertion Criteria. Collection method: clinical testing. Allele origin: germline.
Comment: NM_006662.3(SRCAP):c.4942G>A (p.Val1648Ile) is a missense variant that results in the substitution of valine with isoleucine. This variant is absent from population databases. Computational prediction algorithms are consistent with a benign effect. The currently available literature and clinical evidence are not sufficient to establish a definitive association between this variant and the reported condition. Therefore, this variant is classified as a variant of uncertain significance.